The following is an entry in ClinVar:

NM_001166160.2(PPP1R9A):c.1102G>A (p.Asp368Asn)

Gene: PPP1R9A (protein phosphatase 1 regulatory subunit 9A; plus strand). Cytogenetic location: 7q21.3.
Variant type: single nucleotide variant.
Coding change: c.1102G>A on transcript NM_001166160.2 (MANE Select); coding-DNA position 1102, G replaced by A.
Protein change: p.Asp368Asn; replaces aspartic acid 368 with asparagine.
Molecular consequence: missense variant.
Genome position (GRCh38, 1-based): chr7:94,911,215, G>A. VCF-style: chr7-94911215-G-A. GRCh37 (hg19) VCF-style: chr7-94540527-G-A.
Other names: c.1102G>A, p.Asp368Asn (NM_001166161.1, NM_001166162.1, NM_001166163.1 and 1 more transcripts); short protein forms D368N.
Identifiers: ClinVar variation 3059917 (VCV003059917.2), dbSNP rs61737465, ClinGen allele CA4349343.

ClinVar aggregate classification (germline): Benign (0 of 4 stars; one submission).

Conditions:
PPP1R9A-related disorder. Also called: PPP1R9A-related condition.

Allele frequency attached by ClinVar (database versions not stated): 1000 Genomes Project 30x 0.01593; 1000 Genomes Project 0.01597; TOPMed 0.04386; gnomAD 0.04738; ExAC 0.04925; ESP Exome Variant Server 0.04982; gnomAD exomes 0.06847.
gnomAD v4.1: 106,301 of 1,614,166 alleles (6.6%); highest among the groups gnomAD compares: Non-Finnish European, 7.9%; 4,028 homozygotes.

Submission:

PreventionGenetics, part of Exact Sciences
Classification: Benign for PPP1R9A-related condition. Last evaluated: 2019-06-11. Review status: no assertion criteria provided. Collection method: clinical testing. Allele origin: germline.
Comment: This variant is classified as benign based on ACMG/AMP sequence variant interpretation guidelines (Richards et al. 2015 PMID: 25741868, with internal and published modifications).